The following is an entry in ClinVar:

ClinVar aggregate classification (germline): Uncertain significance. Review status: criteria provided, multiple submitters, no conflicts (2 of 4 stars). 2 submissions from 2 submitters: Uncertain significance (2). Last evaluated 2024-11-21.

Conditions:
Inborn genetic diseases. Identifiers: MedGen C0950123, MeSH D030342.

Submissions (2):

Ambry Genetics
Classification: Uncertain significance for Inborn genetic diseases. Last evaluated: 2024-11-21. Review status: criteria provided, single submitter. Criteria: Ambry Variant Classification Scheme 2023. Collection method: clinical testing. Allele origin: germline.

Labcorp Genetics (formerly Invitae), Labcorp
Classification: Uncertain significance. Last evaluated: 2024-10-23. Review status: criteria provided, single submitter. Criteria: Invitae Variant Classification Sherloc (09022015). Collection method: clinical testing. Allele origin: germline.
Comment: This sequence change replaces leucine, which is neutral and non-polar, with proline, which is neutral and non-polar, at codon 505 of the TUBGCP6 protein (p.Leu505Pro). This variant is not present in population databases (gnomAD no frequency). This variant has not been reported in the literature in individuals affected with TUBGCP6-related conditions. ClinVar contains an entry for this variant (Variation ID: 1721709). An algorithm developed to predict the effect of missense changes on protein structure and function (PolyPhen-2) suggests that this variant is likely to be disruptive. In summary, the available evidence is currently insufficient to determine the role of this variant in disease. Therefore, it has been classified as a Variant of Uncertain Significance.

NM_020461.4(TUBGCP6):c.1514T>C (p.Leu505Pro)

Gene: TUBGCP6 (tubulin gamma complex component 6; minus strand). Cytogenetic location: 22q13.33.
Variant type: single nucleotide variant.
Coding change: c.1514T>C on transcript NM_020461.4 (MANE Select); coding-DNA position 1514, T replaced by C.
Protein change: p.Leu505Pro; replaces leucine 505 with proline.
Molecular consequence: missense variant.
Genome position (GRCh38, 1-based): chr22:50,226,820, A>G on the plus strand (T>C on the coding strand, the complement: TUBGCP6 is on the minus strand). VCF-style: chr22-50226820-A-G. GRCh37 (hg19) VCF-style: chr22-50665249-A-G.
Other names: c.1514T>C (NM_020461.3); short protein forms L505P.
Identifiers: ClinVar variation 1721709 (VCV001721709.6), dbSNP rs2519156385, ClinGen allele CA412107030.
Genomic context (GRCh38, chr22:50,226,820, plus strand): 5'-AGCAGGGACAGCAGTACAGGGTAGTGCTCGTTGCTGCAGTTGTGCAGAGCCTCCTGGTAG[A>G]GGTAGGACAGCAGCTTCACGCCCTGCAGACCGCAAAGGGGGTGGGGGGCAGCTCAGCGCA-3'
Protein context (NP_065194.3, residues 495-515): FPTGVKLLSY[Leu505Pro]YQEALHNCSN